The following is an entry in ClinVar:

ClinVar aggregate classification (germline): Pathogenic (1 of 4 stars; one submission).

Conditions:
Familial adenomatous polyposis 1 (FAP1). Also called: FAMILIAL ADENOMATOUS POLYPOSIS 1, ATTENUATED; POLYPOSIS, ADENOMATOUS INTESTINAL. Identifiers: MedGen C2713442, MONDO:0021056, OMIM 175100. Disease mechanism: loss of function.

Submission:

Myriad Genetics, Inc.
Classification: Pathogenic for Familial adenomatous polyposis 1. Last evaluated: 2023-08-29. Review status: criteria provided, single submitter. Criteria: Myriad Autosomal Dominant, Autosomal Recessive and X-Linked Classification Criteria (2023). Collection method: clinical testing. Allele origin: unknown.
Comment: This variant is considered pathogenic. This variant creates a frameshift predicted to result in premature protein truncation.

NM_000038.6(APC):c.6926del (p.Pro2309fs)

Gene: APC (APC regulator of Wnt signaling pathway; plus strand). Cytogenetic location: 5q22.2.
Variant type: Deletion.
Coding change: c.6926del on transcript NM_000038.6 (MANE Select); coding-DNA position 6926, one base deleted (C; older notation c.6926delC).
Protein change: p.Pro2309fs; shifts the reading frame from proline 2309.
Molecular consequence: frameshift variant. On other transcripts: non-coding transcript variant (2).
Genome position (GRCh38, 1-based): chr5:112,842,520, C deleted; the last of 4 consecutive C bases (chr5:112,842,517-112,842,520); deleting any one gives the same sequence. VCF-style (leftmost placement, unchanged base first): chr5-112842516-AC-A. GRCh37 (hg19) VCF-style: chr5-112178213-AC-A.
Other names: c.6926del, p.Pro2309fs (NM_001127510.3, NM_001354895.2, NM_001407450.1); c.6872del, p.Pro2291fs (NM_001127511.3); c.6980del, p.Pro2327fs (NM_001354896.2, NM_001407447.1, NM_001407448.1 and 1 more transcripts); c.6956del, p.Pro2319fs (NM_001354897.2); c.6851del, p.Pro2284fs (NM_001354898.2); c.6842del, p.Pro2281fs (NM_001354899.2); c.6803del, p.Pro2268fs (NM_001354900.2); c.6749del, p.Pro2250fs (NM_001354901.2, NM_001407453.1); and 11 more; short protein forms P1925fs, P2026fs, P2149fs, P2180fs, P2183fs, P2208fs, P2218fs, P2226fs.
Identifiers: ClinVar variation 2673843 (VCV002673843.1), dbSNP rs2533754475, ClinGen allele CA2695198719.